The following is an entry in ClinVar:

NM_003737.4(DCHS1):c.2192C>T (p.Pro731Leu)

Gene: DCHS1 (dachsous cadherin-related 1; minus strand). Cytogenetic location: 11p15.4.
Variant type: single nucleotide variant.
Coding change: c.2192C>T on transcript NM_003737.4 (MANE Select); coding-DNA position 2192, C replaced by T.
Protein change: p.Pro731Leu; replaces proline 731 with leucine.
Molecular consequence: missense variant.
Genome position (GRCh38, 1-based): chr11:6,633,815, G>A on the plus strand (C>T on the coding strand, the complement: DCHS1 is on the minus strand). VCF-style: chr11-6633815-G-A. GRCh37 (hg19) VCF-style: chr11-6655046-G-A.
Other names: short protein forms P731L.
Identifiers: ClinVar variation 2776574 (VCV002776574.3), dbSNP rs528648883, ClinGen allele CA5860797.

ClinVar aggregate classification (germline): Uncertain significance (1 of 4 stars; one submission).

gnomAD v4.1: 1 of 1,613,714 alleles (0.000062%); highest among the groups gnomAD compares: Admixed American, 0.0017%; no homozygotes.

Submission:

Labcorp Genetics (formerly Invitae), Labcorp
Classification: Uncertain significance. Last evaluated: 2024-10-30. Review status: criteria provided, single submitter. Criteria: Invitae Variant Classification Sherloc (09022015). Collection method: clinical testing. Allele origin: germline.
Comment: This sequence change replaces proline, which is neutral and non-polar, with leucine, which is neutral and non-polar, at codon 731 of the DCHS1 protein (p.Pro731Leu). This variant is present in population databases (rs528648883, gnomAD 0.003%). This variant has not been reported in the literature in individuals affected with DCHS1-related conditions. ClinVar contains an entry for this variant (Variation ID: 2776574). Invitae Evidence Modeling of protein sequence and biophysical properties (such as structural, functional, and spatial information, amino acid conservation, physicochemical variation, residue mobility, and thermodynamic stability) indicates that this missense variant is not expected to disrupt DCHS1 protein function with a negative predictive value of 80%. In summary, the available evidence is currently insufficient to determine the role of this variant in disease. Therefore, it has been classified as a Variant of Uncertain Significance.